The following is an entry in ClinVar:

ClinVar aggregate classification (germline): Uncertain significance (1 of 4 stars; one submission).

Conditions:
Hereditary cancer-predisposing syndrome. Also called: Tumor predisposition; Hereditary neoplastic syndrome; Hereditary Cancer Syndrome; Neoplastic Syndromes, Hereditary. Identifiers: Orphanet 140162, MedGen C0027672, MeSH D009386, MONDO:0015356.

Allele frequency attached by ClinVar (database versions not stated): gnomAD exomes below 0.00001.
gnomAD v4.1: 2 of 1,613,476 alleles (0.00012%); highest among the groups gnomAD compares: Non-Finnish European, 0.00017%; no homozygotes.

Submission:

Ambry Genetics
Classification: Uncertain significance for Hereditary cancer-predisposing syndrome. Last evaluated: 2024-03-06. Review status: criteria provided, single submitter. Criteria: Ambry Variant Classification Scheme 2023. Collection method: clinical testing. Allele origin: germline.
Comment: The p.P657L variant (also known as c.1970C>T), located in coding exon 15 of the POLD1 gene, results from a C to T substitution at nucleotide position 1970. The proline at codon 657 is replaced by leucine, an amino acid with similar properties. This amino acid position is conserved. In addition, the in silico prediction for this alteration is inconclusive. Based on the available evidence, the clinical significance of this alteration remains unclear.

NM_002691.4(POLD1):c.1970C>T (p.Pro657Leu)

Gene: POLD1 (DNA polymerase delta 1, catalytic subunit; plus strand). Cytogenetic location: 19q13.33.
Variant type: single nucleotide variant.
Coding change: c.1970C>T on transcript NM_002691.4 (MANE Select); coding-DNA position 1970, C replaced by T.
Protein change: p.Pro657Leu; replaces proline 657 with leucine.
Molecular consequence: missense variant. On other transcripts: non-coding transcript variant (1).
Genome position (GRCh38, 1-based): chr19:50,409,199, C>T. VCF-style: chr19-50409199-C-T. GRCh37 (hg19) VCF-style: chr19-50912456-C-T.
Other names: c.1970C>T, p.Pro657Leu (NM_001256849.1); c.2048C>T, p.Pro683Leu (NM_001308632.1); short protein forms P657L, P683L.
Identifiers: ClinVar variation 3222707 (VCV003222707.1), dbSNP rs2514015726, ClinGen allele CA406982345.